The following is an entry in ClinVar:

ClinVar aggregate classification (germline): Uncertain significance (1 of 4 stars; one submission).

Conditions:
Epidermolysis bullosa simplex with nail dystrophy (EBS5D). Identifiers: MedGen C4225309, MONDO:0014661, OMIM 616487.
Epidermolysis bullosa simplex 5B, with muscular dystrophy (EBS5B). Also called: EPIDERMOLYSIS BULLOSA SIMPLEX AND LIMB-GIRDLE MUSCULAR DYSTROPHY; Epidermolysis bullosa simplex with muscular dystrophy. Identifiers: Orphanet 257, MedGen C2931072, MONDO:0009181, OMIM 226670.
Epidermolysis bullosa simplex, Ogna type (EBS5A). Also called: Pidermolysis bullosa simplex 5A, Ogna type; EPIDERMOLYSIS BULLOSA SIMPLEX 5A, OGNA TYPE. Identifiers: Orphanet 79401, MedGen C0432317, MONDO:0007555, OMIM 131950.
Epidermolysis bullosa simplex 5C, with pyloric atresia (EBS5C). Also called: Epidermolysis bullosa simplex with pyloric atresia; PLEC-Related Epidermolysis Bullosa with Pyloric Atresia; PLEC1-Related Epidermolysis Bullosa with Pyloric Atresia. Identifiers: Orphanet 158684, MedGen C2677349, MONDO:0012807, OMIM 612138.
Autosomal recessive limb-girdle muscular dystrophy type 2Q (LGMDR17). Also called: MUSCULAR DYSTROPHY, LIMB-GIRDLE, AUTOSOMAL RECESSIVE 17. Identifiers: Orphanet 254361, MedGen C3150989, MONDO:0013390, OMIM 613723.

Submission:

Labcorp Genetics (formerly Invitae), Labcorp
Classification: Uncertain significance for Autosomal recessive limb-girdle muscular dystrophy type 2Q; Epidermolysis bullosa simplex, Ogna type; Epidermolysis bullosa simplex with nail dystrophy; Epidermolysis bullosa simplex 5C, with pyloric atresia; Epidermolysis bullosa simplex 5B, with muscular dystrophy. Last evaluated: 2024-07-04. Review status: criteria provided, single submitter. Criteria: Invitae Variant Classification Sherloc (09022015). Collection method: clinical testing. Allele origin: germline.
Comment: This variant, c.8763_8765dup, results in the insertion of 1 amino acid(s) of the PLEC protein (p.Val2922dup), but otherwise preserves the integrity of the reading frame. This variant is present in population databases (rs782382178, gnomAD 0.003%). This variant has not been reported in the literature in individuals affected with PLEC-related conditions. ClinVar contains an entry for this variant (Variation ID: 2195285). In summary, the available evidence is currently insufficient to determine the role of this variant in disease. Therefore, it has been classified as a Variant of Uncertain Significance.

NM_201384.3(PLEC):c.8682_8684dup (p.Val2895_Tyr2896insVal)

Gene: PLEC (plectin; minus strand). Cytogenetic location: 8q24.3.
Variant type: Duplication.
Coding change: c.8682_8684dup on transcript NM_201384.3 (MANE Select); coding-DNA positions 8682 to 8684, 3 bases duplicated (GGT; older notation c.8682_8684dupGGT).
Protein change: p.Val2895_Tyr2896insVal.
Molecular consequence: inframe insertion. On other transcripts: inframe indel (1).
Genome position (GRCh38, 1-based): chr8:143,921,137-143,921,139, ACC duplicated on the plus strand (GGT on the coding strand, the reverse complement: PLEC is on the minus strand); duplicating any 3 consecutive bases within chr8:143,921,137-143,921,140 gives the same sequence; the c. name uses the placement nearest the transcript's 3' end. VCF-style (leftmost placement, unchanged base first): chr8-143921136-G-GACC. GRCh37 (hg19) VCF-style: chr8-144995304-G-GACC.
Other names: c.8763_8765dup, p.Val2922_Tyr2923insVal (NM_000445.5); c.5381_5383dup, p.Val1795_Tyr1796insVal (NM_001410941.1); c.8640_8642dup, p.Val2881_Tyr2882insVal (NM_201378.4); c.8616_8618dup, p.Val2873_Tyr2874insVal (NM_201379.3); c.9093_9095dup, p.Val3032_Tyr3033insVal (NM_201380.4); c.8586_8588dup, p.Val2863_Tyr2864insVal (NM_201381.3); c.8682_8684dup, p.Val2895_Tyr2896insVal (NM_201382.4); c.8694_8696dup, p.Val2899_Tyr2900insVal (NM_201383.3).
Identifiers: ClinVar variation 2195285 (VCV002195285.4), dbSNP rs782382178, ClinGen allele CA4925218.